The following is an entry in ClinVar:

ClinVar aggregate classification (germline): Uncertain significance. Review status: criteria provided, multiple submitters, no conflicts (2 of 4 stars). 2 submissions from 2 submitters: Uncertain significance (2). Last evaluated 2019-09-03.

Conditions:
Cardiovascular phenotype. Identifiers: MedGen CN230736.
Autosomal recessive limb-girdle muscular dystrophy type 2J (LGMDR10). Also called: Limb-girdle muscular dystrophy, type 2J; MUSCULAR DYSTROPHY, LIMB-GIRDLE, AUTOSOMAL RECESSIVE 10. Identifiers: Orphanet 140922, MedGen C1837342, MONDO:0012127, OMIM 608807.
Dilated cardiomyopathy 1G (CMD1G). Identifiers: Orphanet 154, MedGen C1858763, MONDO:0011400, OMIM 604145.

Allele frequency attached by ClinVar (database versions not stated): ExAC 0.00001; gnomAD exomes 0.00001.
gnomAD v4.1: 9 of 1,613,244 alleles (0.00056%); highest among the groups gnomAD compares: Middle Eastern, 0.016%; no homozygotes.

Submissions (2):

Ambry Genetics
Classification: Uncertain significance for Cardiovascular phenotype. Last evaluated: 2019-09-03. Review status: criteria provided, single submitter. Criteria: Ambry Variant Classification Scheme 2023. Collection method: clinical testing. Allele origin: germline.
Comment: The p.C10970F variant (also known as c.32909G>T), located in coding exon 130 of the TTN gene, results from a G to T substitution at nucleotide position 32909. The cysteine at codon 10970 is replaced by phenylalanine, an amino acid with highly dissimilar properties. This amino acid position is well conserved in available vertebrate species. In addition, this alteration is predicted to be tolerated by in silico analysis. Since supporting evidence is limited at this time, the clinical significance of this alteration remains unclear.

Labcorp Genetics (formerly Invitae), Labcorp
Classification: Uncertain significance for Dilated cardiomyopathy 1G; Autosomal recessive limb-girdle muscular dystrophy type 2J. Last evaluated: 2015-11-10. Review status: criteria provided, single submitter. Criteria: Invitae Variant Classification Sherloc (09022015). Collection method: clinical testing. Allele origin: germline.

NM_001267550.2(TTN):c.60104G>T (p.Cys20035Phe)

Genes: TTN-AS1 (TTN antisense RNA 1; plus strand), TTN (titin; minus strand), LOC126806424 (CDK7 strongly-dependent group 2 enhancer GRCh37_chr2:179456337-179457536; plus strand). Cytogenetic location: 2q31.2.
Variant type: single nucleotide variant.
Coding change: c.60104G>T on transcript NM_001267550.2 (MANE Select); coding-DNA position 60104, G replaced by T.
Protein change: p.Cys20035Phe; replaces cysteine 20035 with phenylalanine.
Molecular consequence: missense variant.
Genome position (GRCh38, 1-based): chr2:178,591,715, C>A on the plus strand (G>T on the coding strand, the complement: TTN is on the minus strand). VCF-style: chr2-178591715-C-A. GRCh37 (hg19) VCF-style: chr2-179456442-C-A.
Other names: c.55181G>T, p.Cys18394Phe (NM_001256850.1); c.32909G>T, p.Cys10970Phe (NM_003319.4); c.52400G>T, p.Cys17467Phe (NM_133378.4); c.33284G>T, p.Cys11095Phe (NM_133432.3); c.33485G>T, p.Cys11162Phe (NM_133437.4); short protein forms C20035F, C11162F, C18394F, C10970F, C17467F, C11095F.
Identifiers: ClinVar variation 238815 (VCV000238815.5), dbSNP rs774488793, ClinGen allele CA1992555.